The following is an entry in ClinVar:

NM_003931.3(WASF1):c.358C>A (p.Pro120Thr)

Gene: WASF1 (WASP family member 1; minus strand). Cytogenetic location: 6q21.
Variant type: single nucleotide variant.
Coding change: c.358C>A on transcript NM_003931.3 (MANE Select); coding-DNA position 358, C replaced by A.
Protein change: p.Pro120Thr; replaces proline 120 with threonine.
Molecular consequence: missense variant.
Genome position (GRCh38, 1-based): chr6:110,108,592, G>T on the plus strand (C>A on the coding strand, the complement: WASF1 is on the minus strand). VCF-style: chr6-110108592-G-T. GRCh37 (hg19) VCF-style: chr6-110429795-G-T.
Other names: c.358C>A, p.Pro120Thr (NM_001024934.2, NM_001024935.2, NM_001024936.2); short protein forms P120T.
Identifiers: ClinVar variation 3368724 (VCV003368724.1).
Genomic context (GRCh38, chr6:110,108,592, plus strand): 5'-AAGGAGTGAGTATATTGAGAGGTGGAGGCTGTTCACAAACATCGTACGTCTCCTGTAATG[G>T]AATAGGCAAAGTCTTGCGATCGAAAAGCTGCTGGTCTTGAATTGTAGAACTTCGGAAAGC-3'
Protein context (NP_003922.1, residues 110-130): QLFDRKTLPI[Pro120Thr]LQETYDVCEQ

ClinVar aggregate classification (germline): Uncertain significance (1 of 4 stars; one submission).

Submission:

GeneDx
Classification: Uncertain significance. Last evaluated: 2024-02-05. Review status: criteria provided, single submitter. Criteria: GeneDx Variant Classification Process June 2021. Collection method: clinical testing. Allele origin: germline. Affected: yes.
Comment: Not observed at significant frequency in large population cohorts (gnomAD); In silico analysis supports that this missense variant has a deleterious effect on protein structure/function; Has not been previously published as pathogenic or benign to our knowledge